The following is an entry in ClinVar:

ClinVar aggregate classification (germline): Conflicting classifications of pathogenicity. Review status: criteria provided, conflicting classifications (1 of 4 stars). 2 submissions from 2 submitters: Likely pathogenic (1); Uncertain significance (1). Last evaluated 2025-05-07.

Conditions:
Neural tube defects, susceptibility to. Identifiers: MedGen C3891448, MONDO:0020705, OMIM 182940.

gnomAD v4.1: 29 of 1,614,032 alleles (0.0018%); highest among the groups gnomAD compares: Middle Eastern, 0.033%; no homozygotes.

Submissions (2):

Laboratoire de Génétique Moléculaire, CHU Bordeaux
Classification: Likely pathogenic for Neural tube defects, susceptibility to. Last evaluated: 2025-05-07. Review status: criteria provided, single submitter. Criteria: ACMG Guidelines, 2015. Collection method: clinical testing. Allele origin: germline. Affected: yes.

Juno Genomics, Hangzhou Juno Genomics, Inc
Classification: Uncertain significance for Neural tube defects, susceptibility to. Review status: criteria provided, single submitter. Criteria: ACMG Guidelines, 2015. Collection method: clinical testing. Allele origin: germline. Affected: yes.
Comment: Absent from controls (or at extremely low frequency if recessive) in Genome Aggregation Database, Exome Sequencing Project, 1000 Genomes Project, or Exome Aggregation Consortium.;De novo (both maternity and paternity confirmed) in a patient with the disease and no family history.;The prevalence of the variant in affected individuals is significantly increased compared to the prevalence in controls.;Multiple lines of computational evidence support a deleterious effect on the gene or gene product (conservation, evolutionary, splicing impact, etc).

NM_138959.3(VANGL1):c.557G>A (p.Arg186His)

Gene: VANGL1 (VANGL planar cell polarity protein 1; plus strand). Cytogenetic location: 1p13.1.
Variant type: single nucleotide variant.
Coding change: c.557G>A on transcript NM_138959.3 (MANE Select); coding-DNA position 557, G replaced by A.
Protein change: p.Arg186His; replaces arginine 186 with histidine.
Molecular consequence: missense variant.
Genome position (GRCh38, 1-based): chr1:115,664,013, G>A. VCF-style: chr1-115664013-G-A. GRCh37 (hg19) VCF-style: chr1-116206634-G-A.
Other names: c.551G>A, p.Arg184His (NM_001172411.2); c.557G>A, p.Arg186His (NM_001172412.2); short protein forms R184H, R186H.
Identifiers: ClinVar variation 3382639 (VCV003382639.3).